The following is an entry in ClinVar:

ClinVar aggregate classification (germline): Uncertain significance (1 of 4 stars; one submission).

Submission:

Ambry Genetics
Classification: Uncertain significance. Last evaluated: 2023-06-29. Review status: criteria provided, single submitter. Criteria: Ambry Variant Classification Scheme 2023. Collection method: clinical testing. Allele origin: germline.
Comment: The c.3727-3T>C intronic variant results from a T to C substitution 3 nucleotides upstream from coding exon 34 in the KIF1B gene. This nucleotide position is poorly conserved in available vertebrate species. In silico splice site analysis predicts that this alteration will not have any significant effect on splicing. The evidence for this gene-disease relationship is limited; therefore, the clinical significance of this alteration is unclear.

NM_001365951.3(KIF1B):c.3865-3T>C

Gene: KIF1B (kinesin family member 1B; plus strand). Cytogenetic location: 1p36.22.
Variant type: single nucleotide variant.
Coding change: c.3865-3T>C on transcript NM_001365951.3 (MANE Select); 3 bases into the intron before coding-DNA position 3865, T replaced by C.
Molecular consequence: intron variant.
Genome position (GRCh38, 1-based): chr1:10,348,646, T>C. VCF-style: chr1-10348646-T-C. GRCh37 (hg19) VCF-style: chr1-10408704-T-C.
Other names: c.3727-3T>C (NM_015074.3); c.3865-3T>C (NM_001365952.1).
Identifiers: ClinVar variation 2625692 (VCV002625692.2), dbSNP rs2521798501, ClinGen allele CA2582341890.